The following is an entry in ClinVar:

ClinVar aggregate classification (germline): Conflicting classifications of pathogenicity. Review status: criteria provided, conflicting classifications (1 of 4 stars). 2 submissions from 2 submitters: Likely pathogenic (1); Uncertain significance (1). Last evaluated 2023-02-10.

Conditions:
Aicardi-Goutieres syndrome 7 (AGS7). Identifiers: Orphanet 51, MedGen C3888244, MONDO:0014367, OMIM 615846.
Singleton-Merten syndrome 1 (SGMRT1). Also called: Widened medullary cavities of bone, aortic calcification, abnormal dentition, and muscular weakness; Syndrome of widened medullary cavities of the metacarpals and phalanges, aortic calcification and abnormal dentition. Identifiers: Orphanet 85191, MedGen C4225427, MONDO:0024535, OMIM 182250.

gnomAD v4.1: 3 of 1,606,092 alleles (0.00019%); highest among the groups gnomAD compares: South Asian, 0.0011%; no homozygotes.

Submissions (2):

Labcorp Genetics (formerly Invitae), Labcorp
Classification: Uncertain significance for Aicardi-Goutieres syndrome 7; Singleton-Merten syndrome 1. Last evaluated: 2023-02-10. Review status: criteria provided, single submitter. Criteria: Invitae Variant Classification Sherloc (09022015). Collection method: clinical testing. Allele origin: germline.
Comment: This sequence change affects a donor splice site in intron 11 of the IFIH1 gene. It is expected to disrupt RNA splicing. Variants that disrupt the donor or acceptor splice site typically lead to a loss of protein function (PMID: 16199547), however the current clinical and genetic evidence is not sufficient to establish whether loss-of-function variants in IFIH1 cause disease. This variant is present in population databases (no rsID available, gnomAD 0.0009%). This variant has not been reported in the literature in individuals affected with IFIH1-related conditions. Algorithms developed to predict the effect of sequence changes on RNA splicing suggest that this variant may disrupt the consensus splice site. In summary, the available evidence is currently insufficient to determine the role of this variant in disease. Therefore, it has been classified as a Variant of Uncertain Significance.

Lifecell International Pvt. Ltd
Classification: Likely pathogenic for Aicardi-Goutieres syndrome 7. Review status: criteria provided, single submitter. Criteria: ACMG Guidelines, 2015. Collection method: clinical testing. Allele origin: germline. Inheritance: Autosomal dominant inheritance. Affected: yes. Observed: 1 heterozygote.
Comment: A Heterozygous Splice site donor variant c.2304+1G>T in Exon 11 of the IFIH1 gene that results in the amino acid substitution was identified. The observed variant has a minimum allele frequency of 0.00000% in gnomAD exomes and genomes, respectively. The severity of the impact of this variant on the protein is high, based on the effect of the protein and REVEL score. Rare Exome Variant Ensemble Learner (REVEL) is an ensembl method for predicting the pathogenicity of missense variants based on a combination of scores from 13 individual tools: MutPred, FATHMM v2.3, VEST 3.0, PolyPhen-2, SIFT, PROVEAN, MutationAssessor, MutationTaster, LRT, GERP++, SiPhy, phyloP, and phastCons. The REVEL score for an individual missense variant can range from 0 to 1, with higher scores reflecting greater likelihood that the variant is disease-causing. Based on the above evidence this variant has been classified as according to the ACMG guidelines.

Literature cited by the submitters: PubMed 16199547 (cited by Labcorp Genetics (formerly Invitae), Labcorp).

NM_022168.4(IFIH1):c.2304+1G>T

Gene: IFIH1 (interferon induced with helicase C domain 1; minus strand). Cytogenetic location: 2q24.2.
Variant type: single nucleotide variant.
Coding change: c.2304+1G>T on transcript NM_022168.4 (MANE Select); the canonical splice donor site of the intron after coding-DNA position 2304, G replaced by T.
Molecular consequence: splice donor variant.
Genome position (GRCh38, 1-based): chr2:162,276,686, C>A on the plus strand (G>T on the coding strand, the complement: IFIH1 is on the minus strand). VCF-style: chr2-162276686-C-A. GRCh37 (hg19) VCF-style: chr2-163133196-C-A.
Identifiers: ClinVar variation 2502835 (VCV002502835.4), dbSNP rs762865950, ClinGen allele CA348996134.